The following is an entry in ClinVar:

NM_001042492.3(NF1):c.586+2T>A

Gene: NF1 (neurofibromin 1; plus strand). Cytogenetic location: 17q11.2.
Variant type: single nucleotide variant.
Coding change: c.586+2T>A on transcript NM_001042492.3 (MANE Select); the canonical splice donor site of the intron after coding-DNA position 586, T replaced by A.
Molecular consequence: splice donor variant.
Genome position (GRCh38, 1-based): chr17:31,169,999, T>A. VCF-style: chr17-31169999-T-A. GRCh37 (hg19) VCF-style: chr17-29497017-T-A.
Other names: c.586+2T>A (NM_000267.4, NM_001128147.3).
Identifiers: ClinVar variation 1750142 (VCV001750142.3), dbSNP rs1135402791, ClinGen allele CA398985549.
Genomic context (GRCh38, chr17:31,169,999, plus strand): 5'-TATAGAATTGTTACAGTATATCAATGTGGATTGTGCAAAATTAAAACGACTCCTGAAGGG[T>A]AAGTTTAAATGTATAATATATCTGAAAAAAATCACTGGGTCAAAAACTAGTATCATGAAT-3'

ClinVar aggregate classification (germline): Pathogenic (1 of 4 stars; one submission).

Conditions:
Cardiovascular phenotype. Identifiers: MedGen CN230736.
Hereditary cancer-predisposing syndrome. Also called: Neoplastic Syndromes, Hereditary; Tumor predisposition; Hereditary Cancer Syndrome; Hereditary neoplastic syndrome. Identifiers: Orphanet 140162, MedGen C0027672, MeSH D009386, MONDO:0015356.

Submission:

Ambry Genetics
Classification: Pathogenic for Cardiovascular phenotype; Hereditary cancer-predisposing syndrome. Last evaluated: 2026-03-30. Review status: criteria provided, single submitter. Criteria: Ambry Variant Classification Scheme 2023. Collection method: clinical testing. Allele origin: germline.
Comment: The c.586+2T>A intronic pathogenic mutation results from a T to A substitution two nucleotides after coding exon 5 in the NF1 gene. This variant was reported in individual(s) with features consistent with neurofibromatosis type 1 (Ambry internal data). This nucleotide position is highly conserved in available vertebrate species. In silico splice site analysis predicts that this alteration will weaken the native splice donor site. RNA studies have demonstrated that this variant results in abnormal splicing in the set of samples tested (Ambry internal data). This variant is considered to be rare based on population cohorts in the Genome Aggregation Database (gnomAD). Based on the supporting evidence, this variant is interpreted as a disease-causing mutation.